The following is an entry in ClinVar:

ClinVar aggregate classification (germline): Uncertain significance (1 of 4 stars; one submission).

Submission:

Ambry Genetics
Classification: Uncertain significance. Last evaluated: 2025-01-31. Review status: criteria provided, single submitter. Criteria: Ambry Variant Classification Scheme 2023. Collection method: clinical testing. Allele origin: germline.
Comment: The p.S494I variant (also known as c.1481G>T), located in coding exon 8 of the RNF43 gene, results from a G to T substitution at nucleotide position 1481. The serine at codon 494 is replaced by isoleucine, an amino acid with dissimilar properties. This amino acid position is conserved. In addition, this alteration is predicted to be tolerated by in silico analysis. Based on the available evidence, the clinical significance of this variant remains unclear.

NM_017763.6(RNF43):c.1481G>T (p.Ser494Ile)

Gene: RNF43 (ring finger protein 43; minus strand). Cytogenetic location: 17q22.
Variant type: single nucleotide variant.
Coding change: c.1481G>T on transcript NM_017763.6 (MANE Select); coding-DNA position 1481, G replaced by T.
Protein change: p.Ser494Ile; replaces serine 494 with isoleucine.
Molecular consequence: missense variant.
Genome position (GRCh38, 1-based): chr17:58,358,295, C>A on the plus strand (G>T on the coding strand, the complement: RNF43 is on the minus strand). VCF-style: chr17-58358295-C-A. GRCh37 (hg19) VCF-style: chr17-56435656-C-A.
Other names: c.1481G>T, p.Ser494Ile (NM_001305544.3); c.1100G>T, p.Ser367Ile (NM_001305545.2); short protein forms S494I, S367I.
Identifiers: ClinVar variation 3789921 (VCV003789921.1).